The following is an entry in ClinVar:

ClinVar aggregate classification (germline): Uncertain significance (1 of 4 stars; one submission).

Allele frequency attached by ClinVar (database versions not stated): gnomAD exomes 0.00001 and 0.00003; ExAC 0.00002; gnomAD 0.00003; TOPMed 0.00003.
gnomAD v4.1: 47 of 1,613,822 alleles (0.0029%); highest among the groups gnomAD compares: East Asian, 0.013%; no homozygotes.

Submissions (2):

Labcorp Genetics (formerly Invitae), Labcorp
Classification: Uncertain significance. Last evaluated: 2025-04-28. Review status: criteria provided, single submitter. Criteria: Invitae Variant Classification Sherloc (09022015). Collection method: clinical testing. Allele origin: germline.
Comment: This sequence change replaces arginine, which is basic and polar, with glutamine, which is neutral and polar, at codon 366 of the PRKN protein (p.Arg366Gln). This variant is present in population databases (rs761213043, gnomAD 0.003%). This missense change has been observed in individual(s) with Parkinson disease (PMID: 18413468, 27182553). ClinVar contains an entry for this variant (Variation ID: 1412480). Invitae Evidence Modeling of protein sequence and biophysical properties (such as structural, functional, and spatial information, amino acid conservation, physicochemical variation, residue mobility, and thermodynamic stability) indicates that this missense variant is not expected to disrupt PRKN protein function with a negative predictive value of 80%. In summary, the available evidence is currently insufficient to determine the role of this variant in disease. Therefore, it has been classified as a Variant of Uncertain Significance.

Dr. Peter K. Rogan Lab, Western University
No classification provided (evidence only). Condition: Gastric cancer. Review status: no classification provided. Collection method: in vitro. Allele origin: not applicable. Functional consequence: retained intron. Not counted in ClinVar's aggregate classification.

Literature cited by the submitters: PubMed 18413468 (cited by Labcorp Genetics (formerly Invitae), Labcorp); PubMed 27182553 (cited by Labcorp Genetics (formerly Invitae), Labcorp).

NM_004562.3(PRKN):c.1097G>A (p.Arg366Gln)

Gene: PRKN (parkin RBR E3 ubiquitin protein ligase; minus strand). Cytogenetic location: 6q26.
Variant type: single nucleotide variant.
Coding change: c.1097G>A on transcript NM_004562.3 (MANE Select); coding-DNA position 1097, G replaced by A.
Protein change: p.Arg366Gln; replaces arginine 366 with glutamine.
Molecular consequence: missense variant.
Genome position (GRCh38, 1-based): chr6:161,386,864, C>T on the plus strand (G>A on the coding strand, the complement: PRKN is on the minus strand). VCF-style: chr6-161386864-C-T. GRCh37 (hg19) VCF-style: chr6-161807896-C-T.
Other names: c.1013G>A, p.Arg338Gln (NM_013987.3); c.650G>A, p.Arg217Gln (NM_013988.3); short protein forms R338Q, R366Q, R217Q.
Identifiers: ClinVar variation 1412480 (VCV001412480.7), dbSNP rs761213043, ClinGen allele CA4090026.